The following is an entry in ClinVar:

NM_000160.5(GCGR):c.571G>A (p.Val191Met)

Gene: GCGR (glucagon receptor; plus strand). Cytogenetic location: 17q25.3.
Variant type: single nucleotide variant.
Coding change: c.571G>A on transcript NM_000160.5 (MANE Select); coding-DNA position 571, G replaced by A.
Protein change: p.Val191Met; replaces valine 191 with methionine.
Molecular consequence: missense variant.
Genome position (GRCh38, 1-based): chr17:81,811,474, G>A. VCF-style: chr17-81811474-G-A. GRCh37 (hg19) VCF-style: chr17-79769350-G-A.
Other names: short protein forms V191M.
Identifiers: ClinVar variation 1928604 (VCV001928604.5), dbSNP rs1044985218, ClinGen allele CA295100108.

ClinVar aggregate classification (germline): Uncertain significance (1 of 4 stars; one submission).

Allele frequency attached by ClinVar (database versions not stated): gnomAD exomes 0.00001; TOPMed 0.00001; gnomAD 0.00002.

Submission:

Labcorp Genetics (formerly Invitae), Labcorp
Classification: Uncertain significance. Last evaluated: 2022-07-24. Review status: criteria provided, single submitter. Criteria: Invitae Variant Classification Sherloc (09022015). Collection method: clinical testing. Allele origin: germline.
Comment: In summary, the available evidence is currently insufficient to determine the role of this variant in disease. Therefore, it has been classified as a Variant of Uncertain Significance. Algorithms developed to predict the effect of missense changes on protein structure and function are either unavailable or do not agree on the potential impact of this missense change (SIFT: "Deleterious"; PolyPhen-2: "Probably Damaging"; Align-GVGD: "Class C0"). This variant has not been reported in the literature in individuals affected with GCGR-related conditions. This variant is present in population databases (no rsID available, gnomAD 0.004%). This sequence change replaces valine, which is neutral and non-polar, with methionine, which is neutral and non-polar, at codon 191 of the GCGR protein (p.Val191Met).